The following is an entry in ClinVar:

NM_001128840.3(CACNA1D):c.6444GGA[1] (p.Glu2149del)

Gene: CACNA1D (calcium voltage-gated channel subunit alpha1 D; plus strand). Cytogenetic location: 3p21.1.
Variant type: Microsatellite.
Coding change: c.6444GGA[1] on transcript NM_001128840.3 (MANE Select); one copy of the 3-base unit GGA starting at c.6444; the reference has two copies in a row; one copy, 3 bases deleted.
Protein change: p.Glu2149del; deletes glutamic acid 2149.
Molecular consequence: inframe deletion.
Genome position (GRCh38, 1-based): chr3:53,811,367-53,811,369, GGA deleted; deleting any 3 consecutive bases within chr3:53,811,362-53,811,369 gives the same sequence; the position shown is the placement nearest the transcript's 3' end. VCF-style (leftmost placement, unchanged base first): chr3-53811361-TGAG-T. GRCh37 (hg19) VCF-style: chr3-53845388-TGAG-T.
Other names: c.6504GGA[1], p.Glu2169del (NM_000720.4); c.6372GGA[1], p.Glu2125del (NM_001128839.3); short protein forms E2125del, E2149del, E2169del.
Identifiers: ClinVar variation 1809986 (VCV001809986.3), dbSNP rs1484090838, ClinGen allele CA543530601.

ClinVar aggregate classification (germline): Uncertain significance. Review status: criteria provided, multiple submitters, no conflicts (2 of 4 stars). 2 submissions from 2 submitters: Uncertain significance (2). Last evaluated 2024-10-13.

Submissions (2):

Labcorp Genetics (formerly Invitae), Labcorp
Classification: Uncertain significance. Last evaluated: 2024-10-13. Review status: criteria provided, single submitter. Criteria: Invitae Variant Classification Sherloc (09022015). Collection method: clinical testing. Allele origin: germline.
Comment: This variant, c.6507_6509del, results in the deletion of 1 amino acid(s) of the CACNA1D protein (p.Glu2169del), but otherwise preserves the integrity of the reading frame. This variant is present in population databases (no rsID available, gnomAD 0.01%). This variant has not been reported in the literature in individuals affected with CACNA1D-related conditions. Experimental studies and prediction algorithms are not available or were not evaluated, and the functional significance of this variant is currently unknown. In summary, the available evidence is currently insufficient to determine the role of this variant in disease. Therefore, it has been classified as a Variant of Uncertain Significance.

GeneDx
Classification: Uncertain significance. Last evaluated: 2022-06-27. Review status: criteria provided, single submitter. Criteria: GeneDx Variant Classification Process June 2021. Collection method: clinical testing. Allele origin: germline. Affected: yes.
Comment: In-frame deletion of 1 amino acids in a non-repeat region; In silico analysis supports a deleterious effect on protein structure/function; Has not been previously published as pathogenic or benign to our knowledge